The following is an entry in ClinVar:

ClinVar aggregate classification (germline): Uncertain significance (1 of 4 stars; one submission).

Submission:

CeGaT Center for Human Genetics Tuebingen
Classification: Uncertain significance. Last evaluated: 2022-04-01. Review status: criteria provided, single submitter. Criteria: CeGaT Center For Human Genetics Tuebingen Variant Classification Criteria Version 2. Collection method: clinical testing. Allele origin: germline. Affected: yes. Observed: 1 variant allele.
Comment: TSPYL2: PM2

NM_022117.4(TSPYL2):c.2065_2071delinsGGGGGG (p.Arg689fs)

Gene: TSPYL2 (TSPY like 2; plus strand). Cytogenetic location: Xp11.22.
Variant type: Indel.
Coding change: c.2065_2071delinsGGGGGG on transcript NM_022117.4 (MANE Select); coding-DNA positions 2065 to 2071, AGGGGGA replaced by GGGGGG.
Protein change: p.Arg689fs; shifts the reading frame from arginine 689.
Molecular consequence: frameshift variant.
Genome position (GRCh38, 1-based): chrX:53,087,922-53,087,928, AGGGGGA replaced by GGGGGG. VCF-style: chrX-53087922-AGGGGGA-GGGGGG. GRCh37 (hg19) VCF-style: chrX-53117104-AGGGGGA-GGGGGG.
Other names: short protein forms R689fs.
Identifiers: ClinVar variation 2660583 (VCV002660583.24), dbSNP rs2519239949, ClinGen allele CA2695200210.